The following is an entry in ClinVar:

ClinVar aggregate classification (germline): Uncertain significance (1 of 4 stars; one submission).

Conditions:
Familial thoracic aortic aneurysm and aortic dissection (TAAD). Also called: Thoracic aortic aneurysms and dissections. Identifiers: Orphanet 91387, MedGen C4707243, MONDO:0019625.

Allele frequency attached by ClinVar (database versions not stated): gnomAD exomes below 0.00001; ExAC 0.00001.

Submission:

All of Us Research Program, National Institutes of Health
Classification: Uncertain significance for Familial thoracic aortic aneurysm and aortic dissection. Last evaluated: 2023-05-31. Review status: criteria provided, single submitter. Criteria: ACMG Guidelines, 2015. Collection method: clinical testing. Allele origin: germline. Inheritance: Autosomal dominant inheritance. Observed: 1 variant allele, 1 heterozygote.
Comment: This study involves interpretation of variants in research participants for the purpose of population health screening. Participant phenotype was not available at the time of variant classification. Additional details can be found in publication PMID: 35346344, PMCID: PMC8962531

NM_002474.3(MYH11):c.1213C>T (p.Arg405Ter)

Gene: MYH11 (myosin heavy chain 11; minus strand). Cytogenetic location: 16p13.11.
Variant type: single nucleotide variant.
Coding change: c.1213C>T on transcript NM_002474.3 (MANE Select); coding-DNA position 1213, C replaced by T.
Protein change: p.Arg405Ter; replaces arginine 405 with a stop codon.
Molecular consequence: nonsense.
Genome position (GRCh38, 1-based): chr16:15,760,575, G>A on the plus strand (C>T on the coding strand, the complement: MYH11 is on the minus strand). VCF-style: chr16-15760575-G-A. GRCh37 (hg19) VCF-style: chr16-15854432-G-A.
Other names: c.1234C>T, p.Arg412Ter (NM_001040113.2, NM_001040114.2); c.1213C>T, p.Arg405Ter (NM_022844.3); short protein forms R405*, R412*.
Identifiers: ClinVar variation 3071167 (VCV003071167.1), dbSNP rs769444338, ClinGen allele CA7922675.